The following is an entry in ClinVar:

NM_007126.5(VCP):c.1896C>A (p.Ala632=)

Gene: VCP (valosin containing protein; minus strand). Cytogenetic location: 9p13.3.
Variant type: single nucleotide variant.
Coding change: c.1896C>A on transcript NM_007126.5 (MANE Select); coding-DNA position 1896, C replaced by A.
Protein change: p.Ala632=; no amino-acid change (alanine 632 retained).
Molecular consequence: synonymous variant.
Genome position (GRCh38, 1-based): chr9:35,059,601, G>T on the plus strand (C>A on the coding strand, the complement: VCP is on the minus strand). VCF-style: chr9-35059601-G-T. GRCh37 (hg19) VCF-style: chr9-35059598-G-T.
Other names: c.1761C>A, p.Ala587= (NM_001354927.2, NM_001354928.2).
Identifiers: ClinVar variation 501835 (VCV000501835.18), dbSNP rs141275388, ClinGen allele CA5039169.
Genomic context (GRCh38, chr9:35,059,601, plus strand): 5'-GGACTTCTCATCAGGAAGTGGGATGTAGATGAGCTGATCAAGACGGCCAGGTCTGAGGAT[G>T]GCAGGATCAATGATGTCAGGCCGGTTGGTAGCGCCAATGATGAACACATTTTTTTTTGTG-3'
Protein context (NP_009057.1, residues 622-642): ATNRPDIIDP[Ala632=]ILRPGRLDQL

ClinVar aggregate classification (germline): Conflicting classifications of pathogenicity. Review status: criteria provided, conflicting classifications (1 of 4 stars). 5 submissions from 5 submitters: Uncertain significance (1); Likely benign (3). 1 of the submissions does not count toward it. Last evaluated 2026-02-09.

Conditions:
Inclusion body myopathy with Paget disease of bone and frontotemporal dementia. Also called: Inclusion body myopathy with early-onset Paget disease and frontotemporal dementia. Identifiers: Orphanet 52430, MedGen C1833662, MONDO:0000507.
Frontotemporal dementia and/or amyotrophic lateral sclerosis 6 (FTDALS6). Also called: VCP-Related Amyotrophic Lateral Sclerosis; VCP-Related Amyotrophic Lateral Sclerosis/Frontotemporal Dementia. Identifiers: Orphanet 275872, Orphanet 803, MedGen C5436279, MONDO:0013501, OMIM 613954.
Inborn genetic diseases. Identifiers: MedGen C0950123, MeSH D030342.
VCP-related disorder. Also called: VCP-related condition; VCP-related disorders.

Allele frequency attached by ClinVar (database versions not stated): ExAC 0.00001; TOPMed 0.00015; ESP Exome Variant Server 0.00023.
gnomAD v4.1: 26 of 1,614,166 alleles (0.0016%); highest among the groups gnomAD compares: African/African-American, 0.033%; no homozygotes.

Submissions (5):

Women's Health and Genetics/Laboratory Corporation of America, LabCorp
Classification: Likely benign. Last evaluated: 2026-02-09. Review status: criteria provided, single submitter. Criteria: LabCorp Variant Classification Summary - May 2015. Collection method: clinical testing. Allele origin: germline.

Labcorp Genetics (formerly Invitae), Labcorp
Classification: Likely benign for Inclusion body myopathy with Paget disease of bone and frontotemporal dementia; Frontotemporal dementia and/or amyotrophic lateral sclerosis 6. Last evaluated: 2025-06-05. Review status: criteria provided, single submitter. Criteria: Invitae Variant Classification Sherloc (09022015). Collection method: clinical testing. Allele origin: germline.

Ambry Genetics
Classification: Likely benign for Inborn genetic diseases. Last evaluated: 2019-07-11. Review status: criteria provided, single submitter. Criteria: Ambry Variant Classification Scheme 2023. Collection method: clinical testing. Allele origin: germline.

Eurofins Ntd Llc (ga)
Classification: Uncertain significance. Last evaluated: 2017-05-04. Review status: criteria provided, single submitter. Criteria: EGL Classification Definitions 2015. Collection method: clinical testing. Allele origin: germline. Observed: 1 variant allele, 1 heterozygote.

PreventionGenetics, part of Exact Sciences
Classification: Likely benign for VCP-related condition. Last evaluated: 2019-09-17. Review status: no assertion criteria provided. Collection method: clinical testing. Allele origin: germline. Not counted in ClinVar's aggregate classification.
Comment: This variant is classified as likely benign based on ACMG/AMP sequence variant interpretation guidelines (Richards et al. 2015 PMID: 25741868, with internal and published modifications).